The following is an entry in ClinVar:

ClinVar aggregate classification (germline): Uncertain significance. Review status: criteria provided, multiple submitters, no conflicts (2 of 4 stars). 3 submissions from 3 submitters: Uncertain significance (3). Last evaluated 2024-03-26.

Conditions:
Tumoral calcinosis, hyperphosphatemic, familial, 3. Identifiers: MedGen C4693864, MONDO:0060715, OMIM 617994.

Allele frequency attached by ClinVar (database versions not stated): gnomAD exomes 0.00001; gnomAD 0.00003 and 0.00004; TOPMed 0.00009; 1000 Genomes Project 30x 0.00016; 1000 Genomes Project 0.00020.
gnomAD v4.1: 10 of 1,614,180 alleles (0.00062%); highest among the groups gnomAD compares: Admixed American, 0.013%; no homozygotes.

Submissions (3):

Labcorp Genetics (formerly Invitae), Labcorp
Classification: Uncertain significance. Last evaluated: 2024-03-26. Review status: criteria provided, single submitter. Criteria: Invitae Variant Classification Sherloc (09022015). Collection method: clinical testing. Allele origin: germline.
Comment: This sequence change replaces tryptophan, which is neutral and slightly polar, with serine, which is neutral and polar, at codon 838 of the KL protein (p.Trp838Ser). This variant is present in population databases (rs199812311, gnomAD 0.006%). This variant has not been reported in the literature in individuals affected with KL-related conditions. ClinVar contains an entry for this variant (Variation ID: 1493920). Advanced modeling of protein sequence and biophysical properties (such as structural, functional, and spatial information, amino acid conservation, physicochemical variation, residue mobility, and thermodynamic stability) performed at Invitae indicates that this missense variant is not expected to disrupt KL protein function with a negative predictive value of 80%. In summary, the available evidence is currently insufficient to determine the role of this variant in disease. Therefore, it has been classified as a Variant of Uncertain Significance.

Ambry Genetics
Classification: Uncertain significance. Last evaluated: 2023-11-18. Review status: criteria provided, single submitter. Criteria: Ambry Variant Classification Scheme 2023. Collection method: clinical testing. Allele origin: germline.

Fulgent Genetics
Classification: Uncertain significance for Tumoral calcinosis, hyperphosphatemic, familial, 3. Last evaluated: 2021-08-25. Review status: criteria provided, single submitter. Criteria: ACMG Guidelines, 2015. Collection method: clinical testing. Allele origin: unknown.

NM_004795.4(KL):c.2513G>C (p.Trp838Ser)

Gene: KL (klotho; plus strand). Cytogenetic location: 13q13.1.
Variant type: single nucleotide variant.
Coding change: c.2513G>C on transcript NM_004795.4 (MANE Select); coding-DNA position 2513, G replaced by C.
Protein change: p.Trp838Ser; replaces tryptophan 838 with serine.
Molecular consequence: missense variant.
Genome position (GRCh38, 1-based): chr13:33,061,592, G>C. VCF-style: chr13-33061592-G-C. GRCh37 (hg19) VCF-style: chr13-33635729-G-C.
Other names: c.2513G>C (NM_004795.3); short protein forms W838S.
Identifiers: ClinVar variation 1493920 (VCV001493920.8), dbSNP rs199812311, ClinGen allele CA247532190.